The following is an entry in ClinVar:

ClinVar aggregate classification (germline): Benign/Likely benign. Review status: criteria provided, multiple submitters, no conflicts (2 of 4 stars). 6 submissions from 6 submitters: Benign (4); Likely benign (2). Last evaluated 2024-04-10.

Conditions:
Hirschsprung disease, susceptibility to, 3. Identifiers: Orphanet 388, MedGen C3150974, MONDO:0013383, OMIM 613711.

Allele frequency attached by ClinVar (database versions not stated): ExAC 0.00854; 1000 Genomes Project 0.03075; gnomAD exomes 0.00243 and 0.00665; gnomAD 0.02743 and 0.02564; TOPMed 0.02763; 1000 Genomes Project 30x 0.03217; ESP Exome Variant Server 0.03006.
gnomAD v4.1: 7,605 of 1,614,070 alleles (0.47%); highest among the groups gnomAD compares: African/African-American, 8.9%; 345 homozygotes.

Submissions (6):

Labcorp Genetics (formerly Invitae), Labcorp
Classification: Benign. Last evaluated: 2024-04-10. Review status: criteria provided, single submitter. Criteria: Invitae Variant Classification Sherloc (09022015). Collection method: clinical testing. Allele origin: germline.

GeneDx
Classification: Benign. Last evaluated: 2018-11-12. Review status: criteria provided, single submitter. Criteria: GeneDx Variant Classification Process June 2021. Collection method: clinical testing. Allele origin: germline. Affected: yes.
Comment: This variant is associated with the following publications: (PMID: 10917288)

Illumina Laboratory Services, Illumina
Classification: Likely benign for Hirschsprung disease, susceptibility to, 3. Last evaluated: 2017-04-27. Review status: criteria provided, single submitter. Criteria: ICSL Variant Classification Criteria 13 December 2019. Collection method: clinical testing. Allele origin: germline.
Comment: This variant was observed as part of a predisposition screen in an ostensibly healthy population. A literature search was performed for the gene, cDNA change, and amino acid change (where applicable). Publications were found based on this search. The evidence from the literature, in combination with allele frequency data from public databases where available, was sufficient to determine this variant is unlikely to cause disease. Therefore, this variant is classified as likely benign.

Laboratory for Molecular Medicine, Mass General Brigham Personalized Medicine
Classification: Benign. Last evaluated: 2013-12-27. Review status: criteria provided, single submitter. Criteria: LMM Criteria. Collection method: clinical testing. Allele origin: germline. Observed: 2 variant alleles.

Breakthrough Genomics
Classification: Likely benign. Review status: criteria provided, single submitter. Criteria: ACMG Guidelines, 2015. Collection method: not provided. Allele origin: germline. Inheritance: Autosomal dominant inheritance. Affected: yes.

PreventionGenetics, part of Exact Sciences
Classification: Benign. Review status: criteria provided, single submitter. Criteria: ACMG Guidelines, 2015. Collection method: clinical testing. Allele origin: germline.

Literature cited by the submitters: PubMed 10790203 (cited by Illumina Laboratory Services, Illumina); PubMed 8968758 (cited by Illumina Laboratory Services, Illumina).

NM_000514.4(GDNF):c.429G>A (p.Arg143=)

Gene: GDNF (glial cell derived neurotrophic factor; minus strand). Cytogenetic location: 5p13.2.
Variant type: single nucleotide variant.
Coding change: c.429G>A on transcript NM_000514.4 (MANE Select); coding-DNA position 429, G replaced by A.
Protein change: p.Arg143=; no amino-acid change (arginine 143 retained).
Molecular consequence: synonymous variant.
Genome position (GRCh38, 1-based): chr5:37,815,858, C>T on the plus strand (G>A on the coding strand, the complement: GDNF is on the minus strand). VCF-style: chr5-37815858-C-T. GRCh37 (hg19) VCF-style: chr5-37815960-C-T.
Other names: c.480G>A, p.Arg160= (NM_001190468.1); c.402G>A, p.Arg134= (NM_001190469.1); c.273G>A, p.Arg91= (NM_001278098.1); c.351G>A, p.Arg117= (NM_199231.2).
Identifiers: ClinVar variation 163500 (VCV000163500.18), dbSNP rs36010631, ClinGen allele CA176138.
Genomic context (GRCh38, chr5:37,815,858, plus strand): 5'-TAAGTTTTTCAATATTTTGTCGTACGTTGTCTCAGCTGCATCGCAAGAGCCGCTGCAGTA[C>T]CTAAAAATCAGTTCCTCCTTGGTTTCATAGCCCAGACCCAAGTCAGTGACATTTAAATGT-3'
Protein context (NP_000505.1, residues 133-153): GYETKEELIF[Arg143=]YCSGSCDAAE